The following is an entry in ClinVar:

NM_016180.5(SLC45A2):c.86A>C (p.Lys29Thr)

Gene: SLC45A2 (solute carrier family 45 member 2; minus strand). Cytogenetic location: 5p13.2.
Variant type: single nucleotide variant.
Coding change: c.86A>C on transcript NM_016180.5 (MANE Select); coding-DNA position 86, A replaced by C.
Protein change: p.Lys29Thr; replaces lysine 29 with threonine.
Molecular consequence: missense variant.
Genome position (GRCh38, 1-based): chr5:33,984,498, T>G on the plus strand (A>C on the coding strand, the complement: SLC45A2 is on the minus strand). VCF-style: chr5-33984498-T-G. GRCh37 (hg19) VCF-style: chr5-33984603-T-G.
Other names: c.86A>C, p.Lys29Thr (NM_001012509.4, NM_001297417.4); short protein forms K29T.
Identifiers: ClinVar variation 1444885 (VCV001444885.7), dbSNP rs199882086, ClinGen allele CA3225878.

ClinVar aggregate classification (germline): Uncertain significance (1 of 4 stars; one submission).

gnomAD v4.1: 1 of 1,613,232 alleles (0.000062%); highest among the groups gnomAD compares: Admixed American, 0.0017%; no homozygotes.

Submission:

Labcorp Genetics (formerly Invitae), Labcorp
Classification: Uncertain significance. Last evaluated: 2024-11-05. Review status: criteria provided, single submitter. Criteria: Invitae Variant Classification Sherloc (09022015). Collection method: clinical testing. Allele origin: germline.
Comment: This sequence change replaces lysine, which is basic and polar, with threonine, which is neutral and polar, at codon 29 of the SLC45A2 protein (p.Lys29Thr). This variant is present in population databases (rs199882086, gnomAD 0.003%). This variant has not been reported in the literature in individuals affected with SLC45A2-related conditions. ClinVar contains an entry for this variant (Variation ID: 1444885). Invitae Evidence Modeling of protein sequence and biophysical properties (such as structural, functional, and spatial information, amino acid conservation, physicochemical variation, residue mobility, and thermodynamic stability) indicates that this missense variant is not expected to disrupt SLC45A2 protein function with a negative predictive value of 80%. In summary, the available evidence is currently insufficient to determine the role of this variant in disease. Therefore, it has been classified as a Variant of Uncertain Significance.